The following is an entry in ClinVar:

ClinVar aggregate classification (germline): Benign (1 of 4 stars; one submission).

Conditions:
Rhabdoid tumor predisposition syndrome 2 (RTPS2). Identifiers: Orphanet 231108, Orphanet 69077, MedGen C2750074, MONDO:0013224, OMIM 613325.

Submission:

Myriad Genetics, Inc.
Classification: Benign for Rhabdoid tumor predisposition syndrome 2. Last evaluated: 2026-07-09. Review status: criteria provided, single submitter. Criteria: Myriad Autosomal Dominant, Autosomal Recessive and X-Linked Classification Criteria (2023). Collection method: clinical testing. Allele origin: unknown.
Comment: This variant is considered benign. This variant is a silent/synonymous amino acid change and it is not expected to impact splicing.

NM_003072.5(SMARCA4):c.702_708delinsGGGTCCC (p.Pro234_Pro236=)

Gene: SMARCA4 (SWI/SNF related BAF chromatin remodeling complex subunit ATPase 4; plus strand). Cytogenetic location: 19p13.2.
Variant type: Indel.
Coding change: c.702_708delinsGGGTCCC on transcript NM_003072.5 (MANE Select); coding-DNA positions 702 to 708, TGGCCCT replaced by GGGTCCC.
Protein change: p.Pro234_Pro236=.
Molecular consequence: synonymous variant. On other transcripts: non-coding transcript variant (1).
Genome position (GRCh38, 1-based): chr19:10,986,535-10,986,541, TGGCCCT replaced by GGGTCCC. VCF-style: chr19-10986535-TGGCCCT-GGGTCCC. GRCh37 (hg19) VCF-style: chr19-11097211-TGGCCCT-GGGTCCC.
Other names: c.702_708delinsGGGTCCC, p.Pro234_Pro236= (NM_001128844.3, NM_001128845.2, NM_001128846.2 and 6 more transcripts).
Identifiers: ClinVar variation 5042120 (VCV005042120.1).